The following is an entry in ClinVar:

NM_013382.7(POMT2):c.1911_1934del (p.Arg638_Leu645del)

Gene: POMT2 (protein O-mannosyltransferase 2; minus strand). Cytogenetic location: 14q24.3.
Variant type: Deletion.
Coding change: c.1911_1934del on transcript NM_013382.7 (MANE Select); coding-DNA positions 1911 to 1934, 24 bases deleted (TCGAGGAGGCGGCCAGGTCCTGCT).
Protein change: p.Arg638_Leu645del.
Molecular consequence: inframe deletion.
Genome position (GRCh38, 1-based): chr14:77,278,827-77,278,850, AGCAGGACCTGGCCGCCTCCTCGA deleted on the plus strand (TCGAGGAGGCGGCCAGGTCCTGCT on the coding strand, the reverse complement: POMT2 is on the minus strand); deleting any 24 consecutive bases within chr14:77,278,827-77,278,862 gives the same sequence; the c. name uses the placement nearest the transcript's 3' end. VCF-style (leftmost placement, unchanged base first): chr14-77278826-GAGCAGGACCTGGCCGCCTCCTCGA-G. GRCh37 (hg19) VCF-style: chr14-77745169-GAGCAGGACCTGGCCGCCTCCTCGA-G.
Identifiers: ClinVar variation 2020947 (VCV002020947.1), dbSNP rs2503155923, ClinGen allele CA2580088808.

ClinVar aggregate classification (germline): Uncertain significance (1 of 4 stars; one submission).

Conditions:
Muscular dystrophy-dystroglycanopathy (congenital with impaired intellectual development), type B, 2. Also called: MUSCULAR DYSTROPHY, CONGENITAL, POMT2-RELATED; Muscular dystrophy-dystroglycanopathy (congenital with intellectual disability), type B2. Identifiers: MedGen C3150416, MONDO:0013160, OMIM 613156.
Muscular dystrophy-dystroglycanopathy (congenital with brain and eye anomalies), type A2. Also called: MUSCULAR DYSTROPHY-DYSTROGLYCANOPATHY (CONGENITAL WITH BRAIN AND EYE ANOMALIES), TYPE A, 2; WALKER-WARBURG SYNDROME OR MUSCLE-EYE-BRAIN DISEASE, POMT2-RELATED. Identifiers: Orphanet 588, Orphanet 899, MedGen C3150411, MONDO:0013154, OMIM 613150.
Autosomal recessive limb-girdle muscular dystrophy type 2N. Also called: MUSCULAR DYSTROPHY-DYSTROGLYCANOPATHY, LIMB-GIRDLE, POMT2-RELATED; Muscular dystrophy-dystroglycanopathy (limb-girdle), type C, 2. Identifiers: Orphanet 206559, MedGen C3150418, MONDO:0013162, OMIM 613158.

Submission:

Labcorp Genetics (formerly Invitae), Labcorp
Classification: Uncertain significance for Muscular dystrophy-dystroglycanopathy (congenital with impaired intellectual development), type B, 2; Muscular dystrophy-dystroglycanopathy (congenital with brain and eye anomalies), type A2; Autosomal recessive limb-girdle muscular dystrophy type 2N. Last evaluated: 2022-08-01. Review status: criteria provided, single submitter. Criteria: Invitae Variant Classification Sherloc (09022015). Collection method: clinical testing. Allele origin: germline.
Comment: This variant, c.1911_1934del, results in the deletion of 8 amino acid(s) of the POMT2 protein (p.Arg638_Leu645del), but otherwise preserves the integrity of the reading frame. This variant is not present in population databases (gnomAD no frequency). This variant has not been reported in the literature in individuals affected with POMT2-related conditions. Experimental studies and prediction algorithms are not available or were not evaluated, and the functional significance of this variant is currently unknown. In summary, the available evidence is currently insufficient to determine the role of this variant in disease. Therefore, it has been classified as a Variant of Uncertain Significance.